The following is an entry in ClinVar:

ClinVar aggregate classification (germline): Likely benign. Review status: criteria provided, multiple submitters, no conflicts (2 of 4 stars). 3 submissions from 3 submitters: Likely benign (2). 1 of the submissions does not count toward it. Last evaluated 2024-09-21.

Conditions:
Spastic paraplegia. Identifiers: MedGen C0037772, HP:0001258.
KIF5A-related disorder. Also called: KIF5A-related condition; KIF5A-related disorders.

Allele frequency attached by ClinVar (database versions not stated): gnomAD 0.00001; TOPMed 0.00002.
gnomAD v4.1: 16 of 1,613,824 alleles (0.00099%); highest among the groups gnomAD compares: African/African-American, 0.004%; no homozygotes.

Submissions (3):

Labcorp Genetics (formerly Invitae), Labcorp
Classification: Likely benign for Spastic paraplegia. Last evaluated: 2024-09-21. Review status: criteria provided, single submitter. Criteria: Invitae Variant Classification Sherloc (09022015). Collection method: clinical testing. Allele origin: germline.

Blueprint Genetics
Classification: Likely benign. Last evaluated: 2024-06-07. Review status: criteria provided, single submitter. Criteria: ACMG Guidelines, 2015. Collection method: clinical testing. Allele origin: germline.

PreventionGenetics, part of Exact Sciences
Classification: Likely benign for KIF5A-related condition. Last evaluated: 2023-12-18. Review status: no assertion criteria provided. Collection method: clinical testing. Allele origin: germline. Not counted in ClinVar's aggregate classification.
Comment: This variant is classified as likely benign based on ACMG/AMP sequence variant interpretation guidelines (Richards et al. 2015 PMID: 25741868, with internal and published modifications).

NM_004984.4(KIF5A):c.2157C>T (p.Asp719=)

Gene: KIF5A (kinesin family member 5A; plus strand). Cytogenetic location: 12q13.3.
Variant type: single nucleotide variant.
Coding change: c.2157C>T on transcript NM_004984.4 (MANE Select); coding-DNA position 2157, C replaced by T.
Protein change: p.Asp719=; no amino-acid change (aspartic acid 719 retained).
Molecular consequence: synonymous variant.
Genome position (GRCh38, 1-based): chr12:57,576,337, C>T. VCF-style: chr12-57576337-C-T. GRCh37 (hg19) VCF-style: chr12-57970120-C-T.
Other names: c.1890C>T, p.Asp630= (NM_001354705.2).
Identifiers: ClinVar variation 700995 (VCV000700995.12), dbSNP rs773330335, ClinGen allele CA6653021.